The following is an entry in ClinVar:

NM_003743.5(NCOA1):c.1314A>G (p.Gln438=)

Gene: NCOA1 (nuclear receptor coactivator 1; plus strand). Cytogenetic location: 2p23.3.
Variant type: single nucleotide variant.
Coding change: c.1314A>G on transcript NM_003743.5 (MANE Select); coding-DNA position 1314, A replaced by G.
Protein change: p.Gln438=; no amino-acid change (glutamine 438 retained).
Molecular consequence: synonymous variant.
Genome position (GRCh38, 1-based): chr2:24,706,784, A>G. VCF-style: chr2-24706784-A-G. GRCh37 (hg19) VCF-style: chr2-24929653-A-G.
Other names: c.1314A>G, p.Gln438= (NM_001362950.1, NM_001362952.1, NM_001362954.1 and 3 more transcripts).
Identifiers: ClinVar variation 4997549 (VCV004997549.1).

ClinVar aggregate classification (germline): Likely benign (1 of 4 stars; one submission).

Conditions:
NCOA1-related disorder. Also called: NCOA1-related condition.

gnomAD v4.1: 1 of 1,614,198 alleles (0.000062%); no homozygotes.

Submission:

PreventionGenetics, part of Exact Sciences
Classification: Likely benign for NCOA1-related condition. Last evaluated: 2025-04-14. Review status: criteria provided, single submitter. Criteria: ACMG Guidelines, 2015. Collection method: clinical testing. Allele origin: germline.
Comment: This variant is classified as likely benign based on ACMG/AMP sequence variant interpretation guidelines (Richards et al. 2015 PMID: 25741868, with internal and published modifications).